The following is an entry in ClinVar:

ClinVar aggregate classification (germline): Uncertain significance (1 of 4 stars; one submission).

Conditions:
Long QT syndrome (LQTS). Identifiers: MedGen C0023976, MeSH D008133, MONDO:0002442. Disease mechanism: loss of function. Inheritance: Various modes of inheritance.

gnomAD v4.1: 8 of 1,614,124 alleles (0.0005%); highest among the groups gnomAD compares: Non-Finnish European, 0.00068%; no homozygotes.

Submission:

Labcorp Genetics (formerly Invitae), Labcorp
Classification: Uncertain significance for Long QT syndrome. Last evaluated: 2024-05-09. Review status: criteria provided, single submitter. Criteria: Invitae Variant Classification Sherloc (09022015). Collection method: clinical testing. Allele origin: germline.
Comment: This sequence change replaces histidine, which is basic and polar, with tyrosine, which is neutral and polar, at codon 2449 of the ANK2 protein (p.His2449Tyr). This variant is present in population databases (rs759139031, gnomAD 0.0009%). This variant has not been reported in the literature in individuals affected with ANK2-related conditions. Advanced modeling of protein sequence and biophysical properties (such as structural, functional, and spatial information, amino acid conservation, physicochemical variation, residue mobility, and thermodynamic stability) performed at Invitae indicates that this missense variant is not expected to disrupt ANK2 protein function with a negative predictive value of 80%. In summary, the available evidence is currently insufficient to determine the role of this variant in disease. Therefore, it has been classified as a Variant of Uncertain Significance.

NM_001148.6(ANK2):c.7345C>T (p.His2449Tyr)

Genes: ANK2 (ankyrin 2; plus strand), LOC126807137 (CDK7 strongly-dependent group 2 enhancer GRCh37_chr4:114276560-114277759; plus strand). Cytogenetic location: 4q26.
Variant type: single nucleotide variant.
Coding change: c.7345C>T on transcript NM_001148.6 (MANE Select); coding-DNA position 7345, C replaced by T.
Protein change: p.His2449Tyr; replaces histidine 2449 with tyrosine.
Molecular consequence: missense variant. On other transcripts: intron variant (68).
Genome position (GRCh38, 1-based): chr4:113,355,963, C>T. VCF-style: chr4-113355963-C-T. GRCh37 (hg19) VCF-style: chr4-114277119-C-T.
Other names: c.4412-4860C>T (NM_001386186.2, NM_001386148.2); c.4214-4860C>T (NM_001354269.3); c.4292-4860C>T (NM_001386187.2); c.4253-4860C>T (NM_001386147.1); c.4271-4860C>T (NM_001386160.1); c.4376-4860C>T (NM_001354254.2); c.4397-4860C>T (NM_001354239.2, NM_001354252.2); c.4298-4860C>T (NM_001354272.2); and 35 more; short protein forms H2449Y, H2371Y, H2488Y, H2496Y, H1249Y.
Identifiers: ClinVar variation 3717368 (VCV003717368.2).